The following is an entry in ClinVar:

NM_001903.5(CTNNA1):c.1014T>C (p.Asn338=)

Gene: CTNNA1 (catenin alpha 1; plus strand). Cytogenetic location: 5q31.2.
Variant type: single nucleotide variant.
Coding change: c.1014T>C on transcript NM_001903.5 (MANE Select); coding-DNA position 1014, T replaced by C.
Protein change: p.Asn338=; no amino-acid change (asparagine 338 retained).
Molecular consequence: synonymous variant.
Genome position (GRCh38, 1-based): chr5:138,827,670, T>C. VCF-style: chr5-138827670-T-C. GRCh37 (hg19) VCF-style: chr5-138163359-T-C.
Other names: c.1014T>C, p.Asn338= (NM_001290307.3, NM_001323983.1, NM_001323982.2 and 3 more transcripts); c.705T>C, p.Asn235= (NM_001290309.3); c.645T>C, p.Asn215= (NM_001290310.3).
Identifiers: ClinVar variation 3773386 (VCV003773386.1).

ClinVar aggregate classification (germline): Benign (1 of 4 stars; one submission).

Conditions:
Hereditary diffuse gastric adenocarcinoma (HDGC). Also called: DIFFUSE GASTRIC AND LOBULAR BREAST CANCER SYNDROME. Identifiers: Orphanet 26106, MedGen C1708349, MONDO:0007648, OMIM 137215.

Submission:

Myriad Genetics, Inc.
Classification: Benign for Hereditary diffuse gastric adenocarcinoma. Last evaluated: 2024-10-10. Review status: criteria provided, single submitter. Criteria: Myriad Autosomal Dominant, Autosomal Recessive and X-Linked Classification Criteria (2023). Collection method: clinical testing. Allele origin: unknown.
Comment: This variant is considered benign. This variant is a silent/synonymous amino acid change and it is not expected to impact splicing.